The following is an entry in ClinVar:

ClinVar aggregate classification (germline): Uncertain significance (1 of 4 stars; one submission).

Submission:

GeneDx
Classification: Uncertain significance. Last evaluated: 2024-02-25. Review status: criteria provided, single submitter. Criteria: GeneDx Variant Classification Process June 2021. Collection method: clinical testing. Allele origin: germline. Affected: yes.
Comment: Not observed at significant frequency in large population cohorts (gnomAD); In silico analysis supports that this missense variant does not alter protein structure/function; Has not been previously published as pathogenic or benign to our knowledge

NM_001378452.1(ITPR1):c.4571G>C (p.Gly1524Ala)

Gene: ITPR1 (inositol 1,4,5-trisphosphate receptor type 1; plus strand). Cytogenetic location: 3p26.1.
Variant type: single nucleotide variant.
Coding change: c.4571G>C on transcript NM_001378452.1 (MANE Select); coding-DNA position 4571, G replaced by C.
Protein change: p.Gly1524Ala; replaces glycine 1524 with alanine.
Molecular consequence: missense variant.
Genome position (GRCh38, 1-based): chr3:4,702,864, G>C. VCF-style: chr3-4702864-G-C. GRCh37 (hg19) VCF-style: chr3-4744548-G-C.
Other names: c.4544G>C, p.Gly1515Ala (NM_001099952.4); c.4526G>C, p.Gly1509Ala (NM_001168272.2); c.4499G>C, p.Gly1500Ala (NM_002222.7); short protein forms G1500A, G1509A, G1515A, G1524A.
Identifiers: ClinVar variation 3369637 (VCV003369637.1).